The following is an entry in ClinVar:

NM_000124.4(ERCC6):c.2201T>G (p.Leu734Ter)

Gene: ERCC6 (ERCC excision repair 6, chromatin remodeling factor; minus strand). Cytogenetic location: 10q11.23.
Variant type: single nucleotide variant.
Coding change: c.2201T>G on transcript NM_000124.4 (MANE Select); coding-DNA position 2201, T replaced by G.
Protein change: p.Leu734Ter; replaces leucine 734 with a stop codon.
Molecular consequence: nonsense.
Genome position (GRCh38, 1-based): chr10:49,478,439, A>C on the plus strand (T>G on the coding strand, the complement: ERCC6 is on the minus strand). VCF-style: chr10-49478439-A-C. GRCh37 (hg19) VCF-style: chr10-50686485-A-C.
Other names: c.2201T>G, p.Leu734Ter (NM_001346440.2); short protein forms L734*.
Identifiers: ClinVar variation 984137 (VCV000984137.3), dbSNP rs1850916835, ClinGen allele CA376723774.

ClinVar aggregate classification (germline): Likely pathogenic (1 of 4 stars; one submission).

Conditions:
Cockayne syndrome type 2 (CSB). Also called: Cockayne Syndrome, Type II; COCKAYNE SYNDROME B. Identifiers: Orphanet 191, Orphanet 90322, MedGen C0751038, MONDO:0019570, OMIM 133540.

Submission:

Myriad Genetics, Inc.
Classification: Likely pathogenic for Cockayne syndrome type 2. Last evaluated: 2019-12-06. Review status: criteria provided, single submitter. Criteria: Myriad Women's Health Autosomal Recessive and X-Linked Classification Criteria (2019). Collection method: clinical testing. Allele origin: unknown.
Comment: NM_000124.2(ERCC6):c.2201T>G(L734*) is expected to be pathogenic in the context of ERCC6-related disorders. This variant is predicted to lead to an abnormal or absent protein product due to the creation of a premature termination codon in ERCC6, a gene where loss-of-function variants are known to be pathogenic. Please note: this variant was assessed in the context of healthy population screening.